The following is an entry in ClinVar:

NM_000492.4(CFTR):c.4201G>T (p.Glu1401Ter)

Gene: CFTR (CF transmembrane conductance regulator; plus strand). Cytogenetic location: 7q31.2.
Variant type: single nucleotide variant.
Coding change: c.4201G>T on transcript NM_000492.4 (MANE Select); coding-DNA position 4201, G replaced by T.
Protein change: p.Glu1401Ter; replaces glutamic acid 1401 with a stop codon.
Molecular consequence: nonsense.
Genome position (GRCh38, 1-based): chr7:117,665,523, G>T. VCF-style: chr7-117665523-G-T. GRCh37 (hg19) VCF-style: chr7-117305577-G-T.
Other names: short protein forms E1401*.
Identifiers: ClinVar variation 53919 (VCV000053919.7), dbSNP rs397508696, ClinGen allele CA327449.

ClinVar aggregate classification (germline): Pathogenic/Likely pathogenic. Review status: criteria provided, multiple submitters, no conflicts (2 of 4 stars). 3 submissions from 3 submitters: Pathogenic (1); Likely pathogenic (1). 1 of the submissions does not count toward it. Last evaluated 2025-08-06.

Conditions:
CFTR-related disorder (CFTR-RD). Also called: CFTR-related disorders; CFTR-related condition. Identifiers: MedGen C5924204, MONDO:7770004.
Cystic fibrosis (CF). Also called: MUCOVISCIDOSIS. Identifiers: Orphanet 586, MedGen C0010674, MONDO:0009061, OMIM 219700. Disease mechanism: loss of function.

Submissions (3):

Natera, Inc.
Classification: Likely pathogenic for CFTR-related disorders. Last evaluated: 2025-08-06. Review status: criteria provided, single submitter. Criteria: Natera Variant Classification Schema (03/2026). Collection method: clinical testing. Allele origin: germline.
Comment: The c.4201G>T variant in CFTR is a nonsense variant predicted to introduce a stop codon at amino acid 1401. This variant is expected to result in nonsense mediated decay, truncation, or a dysfunctional protein product. This variant is rare in the general population with a frequency below the threshold expected for the associated phenotype(s). This variant has been observed in one or more individuals affected with the associated recessive disease, as either homozygous or compound heterozygous with a second variant (PMID: 26574590). Functional studies show that this variant may disrupt protein function (PMID: 30444886). Given the available evidence, this variant is classified as Likely Pathogenic.

Labcorp Genetics (formerly Invitae), Labcorp
Classification: Pathogenic for Cystic fibrosis. Last evaluated: 2021-08-02. Review status: criteria provided, single submitter. Criteria: Invitae Variant Classification Sherloc (09022015). Collection method: clinical testing. Allele origin: germline.
Comment: For these reasons, this variant has been classified as Pathogenic. This variant disrupts a region of the CFTR protein in which other variant(s) (p.Gln1412*) have been determined to be pathogenic (Invitae). This suggests that this is a clinically significant region of the protein, and that variants that disrupt it are likely to be disease-causing. Experimental studies have shown that this premature translational stop signal affects CFTR protein function (PMID: 30444886). Algorithms developed to predict the effect of variants on protein structure and function are not available or were not evaluated for this variant. ClinVar contains an entry for this variant (Variation ID: 53919). This premature translational stop signal has been observed in individual(s) with cystic fibrosis (PMID: 11788090). This variant is not present in population databases (ExAC no frequency). This sequence change creates a premature translational stop signal (p.Glu1401*) in the CFTR gene. While this is not anticipated to result in nonsense mediated decay, it is expected to disrupt the last 80 amino acid(s) of the CFTR protein.

ClinVar Staff, National Center for Biotechnology Information (NCBI)
No classification provided. Condition: CFTR-related disorders. Review status: no classification provided. Collection method: literature only. Allele origin: germline. Affected: yes. Not counted in ClinVar's aggregate classification.

Literature cited by the submitters: PubMed 26574590 (cited by Natera, Inc.); PubMed 30444886 (cited by Natera, Inc. and Labcorp Genetics (formerly Invitae), Labcorp); PubMed 11788090 (cited by Labcorp Genetics (formerly Invitae), Labcorp and ClinVar Staff, National Center for Biotechnology Information (NCBI)).